The following is an entry in ClinVar:

NM_002880.4(RAF1):c.647G>A (p.Arg216His)

Gene: RAF1 (Raf-1 proto-oncogene, serine/threonine kinase; minus strand). Cytogenetic location: 3p25.2.
Variant type: single nucleotide variant.
Coding change: c.647G>A on transcript NM_002880.4 (MANE Select); coding-DNA position 647, G replaced by A.
Protein change: p.Arg216His; replaces arginine 216 with histidine.
Molecular consequence: missense variant. On other transcripts: non-coding transcript variant (3), intron variant (2).
Genome position (GRCh38, 1-based): chr3:12,606,234, C>T on the plus strand (G>A on the coding strand, the complement: RAF1 is on the minus strand). VCF-style: chr3-12606234-C-T. GRCh37 (hg19) VCF-style: chr3-12647733-C-T.
Other names: c.647G>A, p.Arg216His (NM_001354689.3, NM_001354690.3); c.404G>A, p.Arg135His (NM_001354691.3, NM_001354692.3, NM_001354694.3); c.339-1945G>A (NM_001354695.3); c.582-1945G>A (NM_001354693.3); short protein forms R216H, R135H.
Identifiers: ClinVar variation 543966 (VCV000543966.15), dbSNP rs761703202, ClinGen allele CA2259715.

ClinVar aggregate classification (germline): Conflicting classifications of pathogenicity. Review status: criteria provided, conflicting classifications (1 of 4 stars). 4 submissions from 4 submitters: Uncertain significance (3); Likely benign (1). Last evaluated 2025-07-16.

Conditions:
Cardiovascular phenotype. Identifiers: MedGen CN230736.
RASopathy. Also called: rasopathies; Noonan spectrum disorder. Identifiers: Orphanet 536391, MedGen C5555857, MONDO:0021060.

Allele frequency attached by ClinVar (database versions not stated): gnomAD exomes below 0.00001; ExAC 0.00001.
gnomAD v4.1: 2 of 1,613,866 alleles (0.00012%); highest among the groups gnomAD compares: South Asian, 0.0011%; no homozygotes.

Submissions (4):

Labcorp Genetics (formerly Invitae), Labcorp
Classification: Uncertain significance for RASopathy. Last evaluated: 2025-07-16. Review status: criteria provided, single submitter. Criteria: Invitae Variant Classification Sherloc (09022015). Collection method: clinical testing. Allele origin: germline.
Comment: This sequence change replaces arginine, which is basic and polar, with histidine, which is basic and polar, at codon 216 of the RAF1 protein (p.Arg216His). This variant is present in population databases (rs761703202, gnomAD 0.003%). This variant has not been reported in the literature in individuals affected with RAF1-related conditions. ClinVar contains an entry for this variant (Variation ID: 543966). Invitae Evidence Modeling of protein sequence and biophysical properties (such as structural, functional, and spatial information, amino acid conservation, physicochemical variation, residue mobility, and thermodynamic stability) indicates that this missense variant is not expected to disrupt RAF1 protein function with a negative predictive value of 95%. In summary, the available evidence is currently insufficient to determine the role of this variant in disease. Therefore, it has been classified as a Variant of Uncertain Significance.

Laboratory of Genetics, Children's Clinical University Hospital Latvia
Classification: Likely benign. Last evaluated: 2025-02-16. Review status: criteria provided, single submitter. Criteria: ACMG Guidelines, 2015. Collection method: clinical testing. Allele origin: germline. Affected: yes.

Ambry Genetics
Classification: Uncertain significance for Cardiovascular phenotype. Last evaluated: 2021-06-03. Review status: criteria provided, single submitter. Criteria: Ambry Variant Classification Scheme 2023. Collection method: clinical testing. Allele origin: germline.
Comment: The p.R216H variant (also known as c.647G>A), located in coding exon 5 of the RAF1 gene, results from a G to A substitution at nucleotide position 647. The arginine at codon 216 is replaced by histidine, an amino acid with highly similar properties. This amino acid position is highly conserved in available vertebrate species. In addition, the in silico prediction for this alteration is inconclusive. Since supporting evidence is limited at this time, the clinical significance of this alteration remains unclear.

GeneDx
Classification: Uncertain significance. Last evaluated: 2020-03-19. Review status: criteria provided, single submitter. Criteria: GeneDx Variant Classification Process June 2021. Collection method: clinical testing. Allele origin: germline. Affected: yes.
Comment: Has not been previously published as pathogenic or benign to our knowledge; Reported as a variant of uncertain significance by another clinical laboratory in ClinVar (ClinVar Variant ID# 543966; Landrum et al., 2016); In silico analysis supports that this missense variant does not alter protein structure/function; Missense variants in this gene are often considered pathogenic (Stenson et al., 2014)